The following is an entry in ClinVar:

NM_001349253.2(SCN11A):c.640A>G (p.Ile214Val)

Gene: SCN11A (sodium voltage-gated channel alpha subunit 11; minus strand). Cytogenetic location: 3p22.2.
Variant type: single nucleotide variant.
Coding change: c.640A>G on transcript NM_001349253.2 (MANE Select); coding-DNA position 640, A replaced by G.
Protein change: p.Ile214Val; replaces isoleucine 214 with valine.
Molecular consequence: missense variant.
Genome position (GRCh38, 1-based): chr3:38,925,487, T>C on the plus strand (A>G on the coding strand, the complement: SCN11A is on the minus strand). VCF-style: chr3-38925487-T-C. GRCh37 (hg19) VCF-style: chr3-38966978-T-C.
Other names: c.640A>G, p.Ile214Val (NM_014139.3); short protein forms I214V.
Identifiers: ClinVar variation 2099533 (VCV002099533.4), dbSNP rs2470642144, ClinGen allele CA352173390.

ClinVar aggregate classification (germline): Uncertain significance (1 of 4 stars; one submission).

Conditions:
Hereditary sensory and autonomic neuropathy type 7. Also called: Neuropathy, hereditary sensory and autonomic, type VII; HSAN VII. Identifiers: Orphanet 391397, MedGen C3809882, MONDO:0014244, OMIM 615548.
Familial episodic pain syndrome with predominantly lower limb involvement. Also called: Episodic pain syndrome, familial, 3. Identifiers: Orphanet 391384, Orphanet 391392, MedGen C3809899, MONDO:0014247, OMIM 615552.

Submission:

Labcorp Genetics (formerly Invitae), Labcorp
Classification: Uncertain significance for Familial episodic pain syndrome with predominantly lower limb involvement; Hereditary sensory and autonomic neuropathy type 7. Last evaluated: 2022-06-15. Review status: criteria provided, single submitter. Criteria: Invitae Variant Classification Sherloc (09022015). Collection method: clinical testing. Allele origin: germline.
Comment: In summary, the available evidence is currently insufficient to determine the role of this variant in disease. Therefore, it has been classified as a Variant of Uncertain Significance. Algorithms developed to predict the effect of missense changes on protein structure and function (SIFT, PolyPhen-2, Align-GVGD) all suggest that this variant is likely to be tolerated. This variant has not been reported in the literature in individuals affected with SCN11A-related conditions. This variant is not present in population databases (gnomAD no frequency). This sequence change replaces isoleucine, which is neutral and non-polar, with valine, which is neutral and non-polar, at codon 214 of the SCN11A protein (p.Ile214Val).